The following is an entry in ClinVar:

NM_000083.3(CLCN1):c.2780dup (p.Glu928fs)

Gene: CLCN1 (chloride voltage-gated channel 1; plus strand). Cytogenetic location: 7q34.
Variant type: Duplication.
Coding change: c.2780dup on transcript NM_000083.3 (MANE Select); coding-DNA position 2780, one base duplicated (C; older notation c.2780dupC).
Protein change: p.Glu928fs; shifts the reading frame from glutamic acid 928.
Molecular consequence: frameshift variant. On other transcripts: non-coding transcript variant (1).
Genome position (GRCh38, 1-based): chr7:143,351,778, C duplicated; the last of 4 consecutive C bases (chr7:143,351,775-143,351,778); duplicating any one gives the same sequence. VCF-style (leftmost placement, unchanged base first): chr7-143351774-T-TC. GRCh37 (hg19) VCF-style: chr7-143048867-T-TC.
Other names: short protein forms E928fs.
Identifiers: ClinVar variation 4855179 (VCV004855179.1).
Genomic context (GRCh38, chr7:143,351,774, plus strand): 5'-AACTGGAACCTGCCTGAGGACAGGCCTGGGGCCACTGGAACAGGGGATGTGATTGCTGCC[T>TC]CCCCAGAGACCCCTGTGCCATCTCCTTCCCCAGAGCCCCCTCTCTCCCTGGCCCCAGGCA-3'

ClinVar aggregate classification (germline): Uncertain significance (1 of 4 stars; one submission).

Conditions:
Congenital myotonia, autosomal recessive form. Also called: BECKER DISEASE; Becker Generalized Myotonia; myotonia congenita, autosomal recessive. Identifiers: Orphanet 614, MedGen C0751360, MONDO:0009715, OMIM 255700.

Submission:

3billion
Classification: Uncertain significance for Congenital myotonia, autosomal recessive form. Last evaluated: 2026-01-15. Review status: criteria provided, single submitter. Criteria: ACMG Guidelines, 2015. Collection method: clinical testing. Allele origin: germline. Affected: yes.
Comment: The variant is not observed in the gnomAD v4.1.0 dataset. Predicted Consequence/Location: Frameshift: predicted to result in a loss or disruption of normal protein function through protein truncation. The predicted truncated protein may be shortened by less than 10%. Therefore, this variant is classified as VUS according to the recommendation of ACMG/AMP guideline.